The following is an entry in ClinVar:

NM_001267550.2(TTN):c.104923T>C (p.Trp34975Arg)

Genes: TTN (titin; minus strand), TTN-AS1 (TTN antisense RNA 1; plus strand). Cytogenetic location: 2q31.2.
Variant type: single nucleotide variant.
Coding change: c.104923T>C on transcript NM_001267550.2 (MANE Select); coding-DNA position 104923, T replaced by C.
Protein change: p.Trp34975Arg; replaces tryptophan 34975 with arginine.
Molecular consequence: missense variant.
Genome position (GRCh38, 1-based): chr2:178,531,692, A>G on the plus strand (T>C on the coding strand, the complement: TTN is on the minus strand). VCF-style: chr2-178531692-A-G. GRCh37 (hg19) VCF-style: chr2-179396419-A-G.
Other names: c.100000T>C, p.Trp33334Arg (NM_001256850.1); c.77728T>C, p.Trp25910Arg (NM_003319.4); c.97219T>C, p.Trp32407Arg (NM_133378.4); c.78103T>C, p.Trp26035Arg (NM_133432.3); c.78304T>C, p.Trp26102Arg (NM_133437.4); short protein forms W25910R, W26102R, W33334R, W32407R, W34975R, W26035R.
Identifiers: ClinVar variation 2094763 (VCV002094763.4), dbSNP rs2468419495, ClinGen allele CA349409878.

ClinVar aggregate classification (germline): Uncertain significance (1 of 4 stars; one submission).

Conditions:
Autosomal recessive limb-girdle muscular dystrophy type 2J (LGMDR10). Also called: Limb-girdle muscular dystrophy, type 2J; MUSCULAR DYSTROPHY, LIMB-GIRDLE, AUTOSOMAL RECESSIVE 10. Identifiers: Orphanet 140922, MedGen C1837342, MONDO:0012127, OMIM 608807.
Dilated cardiomyopathy 1G (CMD1G). Identifiers: Orphanet 154, MedGen C1858763, MONDO:0011400, OMIM 604145.

Allele frequency attached by ClinVar (database versions not stated): gnomAD exomes below 0.00001.
gnomAD v4.1: 1 of 1,614,012 alleles (0.000062%); highest among the groups gnomAD compares: Non-Finnish European, 0.000085%; no homozygotes.

Submission:

Labcorp Genetics (formerly Invitae), Labcorp
Classification: Uncertain significance for Dilated cardiomyopathy 1G; Autosomal recessive limb-girdle muscular dystrophy type 2J. Last evaluated: 2022-02-08. Review status: criteria provided, single submitter. Criteria: Invitae Variant Classification Sherloc (09022015). Collection method: clinical testing. Allele origin: germline.
Comment: This sequence change replaces tryptophan, which is neutral and slightly polar, with arginine, which is basic and polar, at codon 34975 of the TTN protein (p.Trp34975Arg). This variant is not present in population databases (gnomAD no frequency). This variant has not been reported in the literature in individuals affected with TTN-related conditions. Experimental studies and prediction algorithms are not available or were not evaluated, and the functional significance of this variant is currently unknown. In summary, the available evidence is currently insufficient to determine the role of this variant in disease. Therefore, it has been classified as a Variant of Uncertain Significance. This variant is located in the M band of TTN (PMID: 25589632). Variants in this region may be relevant for neuromuscular disorders, but have not been definitively shown to cause cardiomyopathy (PMID: 23975875).

Literature cited by the submitters: PubMed 25589632; PubMed 23975875.